The following is an entry in ClinVar:

ClinVar aggregate classification (germline): Likely benign. Review status: reviewed by expert panel (3 of 4 stars). 3 submissions from 3 submitters: Likely benign (1). 2 of the submissions do not count toward it. Last evaluated 2026-04-29.

Conditions:
Hereditary thrombocytopenia and hematological cancer predisposition syndrome associated with RUNX1. Also called: Familial Platelet Disorder with Propensity to Acute Myelogenous Leukemia; Familial thrombocytopenia with propensity to acute myelogenous leukemia; PLATELET DISORDER, ASPIRIN-LIKE; RUNX1 Familial Platelet Disorder with Associated Myeloid Malignancies. Identifiers: Orphanet 71290, MedGen C1832388, MeSH C563324, MONDO:0100083, OMIM 601399.
Hereditary thrombocytopenia and hematologic cancer predisposition syndrome. Identifiers: Orphanet 71290, MedGen CN281654, MONDO:0011071.
Inborn genetic diseases. Identifiers: MedGen C0950123, MeSH D030342.

Allele frequency attached by ClinVar (database versions not stated): gnomAD exomes below 0.00001.
gnomAD v4.1: 2 of 1,563,346 alleles (0.00013%); highest among the groups gnomAD compares: Non-Finnish European, 0.000087%; no homozygotes.

Submissions (3):

ClinGen Myeloid Malignancy Variant Curation Expert Panel
Classification: Likely benign for Hereditary thrombocytopenia and hematologic cancer predisposition syndrome. Last evaluated: 2026-04-29. Review status: reviewed by expert panel. Criteria: ClinGen MyeloMalig ACMG Specifications V3.1. Collection method: curation. Allele origin: germline. Inheritance: Autosomal dominant inheritance.
Comment: NM_001754.5(RUNX1):c.1209C>T (p.Tyr403=) is a synonymous variant which has a SpliceAI score ≤ 0.20 (0.0) (BP4, BP7). This variant has a MAF ≤ 0.00005 in gnomAD v4 across all subpopulations with at least 20X coverage for RUNX1 (PM2_supporting). In summary, this variant meets criteria to be classified as likely benign. ACMG/AMP criteria applied, as specified by the Myeloid Malignancy Variant Curation Expert Panel for RUNX1: BP4, BP7, PM2_supporting.

Ambry Genetics
Classification: Likely benign for Inborn genetic diseases. Last evaluated: 2026-01-31. Review status: criteria provided, single submitter. Criteria: Ambry Variant Classification Scheme 2023. Collection method: clinical testing. Allele origin: germline. Not counted in ClinVar's aggregate classification.

Labcorp Genetics (formerly Invitae), Labcorp
Classification: Likely benign for Hereditary thrombocytopenia and hematological cancer predisposition syndrome associated with RUNX1. Last evaluated: 2021-07-14. Review status: criteria provided, single submitter. Criteria: Invitae Variant Classification Sherloc (09022015). Collection method: clinical testing. Allele origin: germline. Not counted in ClinVar's aggregate classification.

NM_001754.5(RUNX1):c.1209C>T (p.Tyr403=)

Gene: RUNX1 (RUNX family transcription factor 1; minus strand). Cytogenetic location: 21q22.12.
Variant type: single nucleotide variant.
Coding change: c.1209C>T on transcript NM_001754.5 (MANE Select); coding-DNA position 1209, C replaced by T.
Protein change: p.Tyr403=; no amino-acid change (tyrosine 403 retained).
Molecular consequence: synonymous variant.
Genome position (GRCh38, 1-based): chr21:34,792,369, G>A on the plus strand (C>T on the coding strand, the complement: RUNX1 is on the minus strand). VCF-style: chr21-34792369-G-A. GRCh37 (hg19) VCF-style: chr21-36164666-G-A.
Other names: NM_001754.5(RUNX1):c.1209C>T; p.Tyr403=; c.1209C>T (NM_001754.4); c.1128C>T, p.Tyr376= (NM_001001890.3).
Identifiers: ClinVar variation 1642471 (VCV001642471.12), dbSNP rs2145875398, ClinGen allele CA512341222.